The following is an entry in ClinVar:

NM_001365536.1(SCN9A):c.4492C>T (p.Pro1498Ser)

Genes: SCN1A-AS1 (SCN1A and SCN9A antisense RNA 1; plus strand), SCN9A (sodium voltage-gated channel alpha subunit 9; minus strand). Cytogenetic location: 2q24.3.
Variant type: single nucleotide variant.
Coding change: c.4492C>T on transcript NM_001365536.1 (MANE Select); coding-DNA position 4492, C replaced by T.
Protein change: p.Pro1498Ser; replaces proline 1498 with serine.
Molecular consequence: missense variant.
Genome position (GRCh38, 1-based): chr2:166,204,371, G>A on the plus strand (C>T on the coding strand, the complement: SCN9A is on the minus strand). VCF-style: chr2-166204371-G-A. GRCh37 (hg19) VCF-style: chr2-167060881-G-A.
Other names: c.4459C>T, p.Pro1487Ser (NM_002977.4); short protein forms P1487S, P1498S.
Identifiers: ClinVar variation 2000272 (VCV002000272.4), dbSNP rs761324516, ClinGen allele CA1943858.

ClinVar aggregate classification (germline): Uncertain significance (1 of 4 stars; one submission).

Conditions:
Neuropathy, hereditary sensory and autonomic, type 2A (HSAN2A). Also called: MORVAN DISEASE; NEUROPATHY, CONGENITAL SENSORY; NEUROPATHY, HEREDITARY SENSORY RADICULAR, AUTOSOMAL RECESSIVE; NEUROPATHY, HEREDITARY SENSORY, TYPE IIA; NEUROPATHY, PROGRESSIVE SENSORY, OF CHILDREN; HSAN IIA. Identifiers: Orphanet 970, MedGen C2752089, MONDO:0024309, OMIM 201300.
Generalized epilepsy with febrile seizures plus, type 7 (GEFSP7). Also called: GEFS+, TYPE 7. Identifiers: Orphanet 36387, MedGen C2751778, MONDO:0013470, OMIM 613863.

Allele frequency attached by ClinVar (database versions not stated): ExAC 0.00001.

Submission:

Labcorp Genetics (formerly Invitae), Labcorp
Classification: Uncertain significance for Neuropathy, hereditary sensory and autonomic, type 2A; Generalized epilepsy with febrile seizures plus, type 7. Last evaluated: 2025-02-10. Review status: criteria provided, single submitter. Criteria: Invitae Variant Classification Sherloc (09022015). Collection method: clinical testing. Allele origin: germline.
Comment: This sequence change replaces proline, which is neutral and non-polar, with serine, which is neutral and polar, at codon 1487 of the SCN9A protein (p.Pro1487Ser). This variant is present in population databases (rs761324516, gnomAD 0.003%). This variant has not been reported in the literature in individuals affected with SCN9A-related conditions. ClinVar contains an entry for this variant (Variation ID: 2000272). Invitae Evidence Modeling of protein sequence and biophysical properties (such as structural, functional, and spatial information, amino acid conservation, physicochemical variation, residue mobility, and thermodynamic stability) indicates that this missense variant is not expected to disrupt SCN9A protein function with a negative predictive value of 80%. In summary, the available evidence is currently insufficient to determine the role of this variant in disease. Therefore, it has been classified as a Variant of Uncertain Significance.